The following is an entry in ClinVar:

ClinVar aggregate classification (germline): Uncertain significance. Review status: criteria provided, multiple submitters, no conflicts (2 of 4 stars). 3 submissions from 3 submitters: Uncertain significance (3). Last evaluated 2023-12-22.

Conditions:
Cardiovascular phenotype. Identifiers: MedGen CN230736.

Allele frequency attached by ClinVar (database versions not stated): gnomAD exomes below 0.00001.
gnomAD v4.1: 2 of 1,613,150 alleles (0.00012%); highest among the groups gnomAD compares: Non-Finnish European, 0.00017%; no homozygotes.

Submissions (3):

GeneDx
Classification: Uncertain significance. Last evaluated: 2023-12-22. Review status: criteria provided, single submitter. Criteria: GeneDx Variant Classification Process June 2021. Collection method: clinical testing. Allele origin: germline. Affected: yes.
Comment: Not observed at significant frequency in large population cohorts (gnomAD); In silico analysis supports that this missense variant has a deleterious effect on protein structure/function; Has not been previously published as pathogenic or benign to our knowledge

Ambry Genetics
Classification: Uncertain significance for Cardiovascular phenotype. Last evaluated: 2023-11-09. Review status: criteria provided, single submitter. Criteria: Ambry Variant Classification Scheme 2023. Collection method: clinical testing. Allele origin: germline.
Comment: The p.C197R variant (also known as c.589T>C), located in coding exon 4 of the EPHB4 gene, results from a T to C substitution at nucleotide position 589. The cysteine at codon 197 is replaced by arginine, an amino acid with highly dissimilar properties. This amino acid position is conserved. In addition, this alteration is predicted to be deleterious by in silico analysis. Since supporting evidence is limited at this time, the clinical significance of this alteration remains unclear.

Labcorp Genetics (formerly Invitae), Labcorp
Classification: Uncertain significance. Last evaluated: 2023-02-24. Review status: criteria provided, single submitter. Criteria: Invitae Variant Classification Sherloc (09022015). Collection method: clinical testing. Allele origin: germline.
Comment: In summary, the available evidence is currently insufficient to determine the role of this variant in disease. Therefore, it has been classified as a Variant of Uncertain Significance. Advanced modeling of protein sequence and biophysical properties (such as structural, functional, and spatial information, amino acid conservation, physicochemical variation, residue mobility, and thermodynamic stability) performed at Invitae indicates that this missense variant is expected to disrupt EPHB4 protein function. This variant has not been reported in the literature in individuals affected with EPHB4-related conditions. This variant is not present in population databases (gnomAD no frequency). This sequence change replaces cysteine, which is neutral and slightly polar, with arginine, which is basic and polar, at codon 197 of the EPHB4 protein (p.Cys197Arg).

NM_004444.5(EPHB4):c.589T>C (p.Cys197Arg)

Gene: EPHB4 (EPH receptor B4; minus strand). Cytogenetic location: 7q22.1.
Variant type: single nucleotide variant.
Coding change: c.589T>C on transcript NM_004444.5 (MANE Select); coding-DNA position 589, T replaced by C.
Protein change: p.Cys197Arg; replaces cysteine 197 with arginine.
Molecular consequence: missense variant.
Genome position (GRCh38, 1-based): chr7:100,822,490, A>G on the plus strand (T>C on the coding strand, the complement: EPHB4 is on the minus strand). VCF-style: chr7-100822490-A-G. GRCh37 (hg19) VCF-style: chr7-100420112-A-G.
Other names: c.589T>C (NM_004444.4); short protein forms C197R.
Identifiers: ClinVar variation 2980331 (VCV002980331.5), dbSNP rs1476077876, ClinGen allele CA368581192.